The following is an entry in ClinVar:

NM_000270.4(PNP):c.649G>A (p.Val217Ile)

Gene: PNP (purine nucleoside phosphorylase; plus strand). Cytogenetic location: 14q11.2.
Variant type: single nucleotide variant.
Coding change: c.649G>A on transcript NM_000270.4 (MANE Select); coding-DNA position 649, G replaced by A.
Protein change: p.Val217Ile; replaces valine 217 with isoleucine.
Molecular consequence: missense variant.
Genome position (GRCh38, 1-based): chr14:20,475,249, G>A. VCF-style: chr14-20475249-G-A. GRCh37 (hg19) VCF-style: chr14-20943408-G-A.
Other names: p.Val217Ile; short protein forms V217I.
Identifiers: ClinVar variation 446024 (VCV000446024.25), dbSNP rs138702206, ClinGen allele CA7082185.

ClinVar aggregate classification (germline): Benign/Likely benign. Review status: criteria provided, multiple submitters, no conflicts (2 of 4 stars). 10 submissions from 10 submitters: Benign (7); Likely benign (1). 2 of the submissions do not count toward it. Last evaluated 2026-02-04.

Conditions:
Purine-nucleoside phosphorylase deficiency. Also called: Immunodeficiency due to purine nucleoside phosphorylase deficiency; NUCLEOSIDE PHOSPHORYLASE DEFICIENCY. Identifiers: Orphanet 760, MedGen C0268125, MONDO:0013171, OMIM 613179.

Allele frequency attached by ClinVar (database versions not stated): gnomAD exomes 0.00150; ExAC 0.00188; 1000 Genomes Project 30x 0.00562; gnomAD 0.00562 and 0.00601; 1000 Genomes Project 0.00599; TOPMed 0.00646; ESP Exome Variant Server 0.00661.

Submissions (10):

Labcorp Genetics (formerly Invitae), Labcorp
Classification: Benign for Purine-nucleoside phosphorylase deficiency. Last evaluated: 2026-02-04. Review status: criteria provided, single submitter. Criteria: Invitae Variant Classification Sherloc (09022015). Collection method: clinical testing. Allele origin: germline.

Mayo Clinic Laboratories, Mayo Clinic
Classification: Benign. Last evaluated: 2025-09-23. Review status: criteria provided, single submitter. Criteria: ACMG Guidelines, 2015. Collection method: clinical testing. Allele origin: germline. Observed: 2 variant alleles.
Comment: BA1, BS3, BP2, BP5

Blueprint Genetics
Classification: Likely benign. Last evaluated: 2024-11-25. Review status: criteria provided, single submitter. Criteria: ACMG Guidelines, 2015. Collection method: clinical testing. Allele origin: germline.

ARUP Laboratories, Molecular Genetics and Genomics, ARUP Laboratories
Classification: Benign for Purine-nucleoside phosphorylase deficiency. Last evaluated: 2023-08-24. Review status: criteria provided, single submitter. Criteria: ARUP Molecular Germline Variant Investigation Process 2024. Collection method: clinical testing. Allele origin: germline.

Illumina Laboratory Services, Illumina
Classification: Benign for Purine-nucleoside phosphorylase deficiency. Last evaluated: 2017-10-13. Review status: criteria provided, single submitter. Criteria: ICSL Variant Classification Criteria 13 December 2019. Collection method: clinical testing. Allele origin: germline.
Comment: This variant was observed as part of a predisposition screen in an ostensibly healthy population. A literature search was performed for the gene, cDNA change, and amino acid change (where applicable). Publications were found based on this search. The evidence from the literature, in combination with allele frequency data from public databases where available, was sufficient to rule this variant out of causing disease. Therefore, this variant is classified as benign.

Center for Pediatric Genomic Medicine, Children's Mercy Hospital and Clinics
Classification: Benign. Last evaluated: 2017-02-27. Review status: criteria provided, single submitter. Criteria: ACMG Guidelines, 2015. Collection method: clinical testing. Allele origin: germline.

GeneDx
Classification: Benign. Last evaluated: 2015-03-03. Review status: criteria provided, single submitter. Criteria: GeneDx Variant Classification Process June 2021. Collection method: clinical testing. Allele origin: germline. Affected: yes.

Breakthrough Genomics
Classification: Benign. Review status: criteria provided, single submitter. Criteria: ACMG Guidelines, 2015. Collection method: not provided. Allele origin: germline. Inheritance: Autosomal recessive inheritance. Affected: yes.

Clinical Genetics DNA and cytogenetics Diagnostics Lab, Erasmus MC, Erasmus Medical Center
Classification: Benign. Review status: no assertion criteria provided. Collection method: clinical testing. Allele origin: germline. Affected: yes. Study: VKGL Data-share Consensus. Not counted in ClinVar's aggregate classification.

Clinical Genetics, Academic Medical Center
Classification: Benign. Review status: no assertion criteria provided. Collection method: clinical testing. Allele origin: germline. Affected: yes. Study: VKGL Data-share Consensus. Not counted in ClinVar's aggregate classification.

Literature cited by the submitters: PubMed 12483996 (cited by Mayo Clinic Laboratories, Mayo Clinic and Illumina Laboratory Services, Illumina).